The following is an entry in ClinVar:

NM_004771.4(MMP20):c.810C>T (p.Tyr270=)

Gene: MMP20 (matrix metallopeptidase 20; minus strand). Cytogenetic location: 11q22.2.
Variant type: single nucleotide variant.
Coding change: c.810C>T on transcript NM_004771.4 (MANE Select); coding-DNA position 810, C replaced by T.
Protein change: p.Tyr270=; no amino-acid change (tyrosine 270 retained).
Molecular consequence: synonymous variant.
Genome position (GRCh38, 1-based): chr11:102,608,938, G>A on the plus strand (C>T on the coding strand, the complement: MMP20 is on the minus strand). VCF-style: chr11-102608938-G-A. GRCh37 (hg19) VCF-style: chr11-102479669-G-A.
Identifiers: ClinVar variation 301944 (VCV000301944.11), dbSNP rs11225343, ClinGen allele CA6248342.

ClinVar aggregate classification (germline): Benign. Review status: criteria provided, multiple submitters, no conflicts (2 of 4 stars). 4 submissions from 4 submitters: Benign (4). Last evaluated 2021-06-09.

Conditions:
Amelogenesis imperfecta hypomaturation type 2A2. Also called: Amelogenesis imperfecta, type IIA2; AMELOGENESIS IMPERFECTA, PIGMENTED HYPOMATURATION TYPE, 2; Amelogenesis imperfecta, hypomaturation type, IIA2. Identifiers: Orphanet 88661, MedGen C2675858, MONDO:0012926, OMIM 612529. Disease mechanism: loss of function.

Allele frequency attached by ClinVar (database versions not stated): gnomAD exomes 0.00203 and 0.00538; ExAC 0.00658; gnomAD 0.02054 and 0.02179; ESP Exome Variant Server 0.02407; TOPMed 0.02408; 1000 Genomes Project 0.02456; 1000 Genomes Project 30x 0.02701.
gnomAD v4.1: 6,250 of 1,613,820 alleles (0.39%); highest among the groups gnomAD compares: African/African-American, 7.2%; 218 homozygotes.

Submissions (4):

GeneDx
Classification: Benign. Last evaluated: 2021-06-09. Review status: criteria provided, single submitter. Criteria: GeneDx Variant Classification Process June 2021. Collection method: clinical testing. Allele origin: germline. Affected: yes.

Labcorp Genetics (formerly Invitae), Labcorp
Classification: Benign. Last evaluated: 2019-12-31. Review status: criteria provided, single submitter. Criteria: Invitae Variant Classification Sherloc (09022015). Collection method: clinical testing. Allele origin: germline.

Illumina Laboratory Services, Illumina
Classification: Benign for Amelogenesis imperfecta hypomaturation type 2A2. Last evaluated: 2018-01-13. Review status: criteria provided, single submitter. Criteria: ICSL Variant Classification Criteria 13 December 2019. Collection method: clinical testing. Allele origin: germline.
Comment: This variant was observed in the ICSL laboratory as part of a predisposition screen in an ostensibly healthy population. It had not been previously curated by ICSL or reported in the Human Gene Mutation Database (HGMD: prior to June 1st, 2018), and was therefore a candidate for classification through an automated scoring system. Utilizing variant allele frequency, disease prevalence and penetrance estimates, and inheritance mode, an automated score was calculated to assess if this variant is too frequent to cause the disease. Based on the score and internal cut-off values, a variant classified as benign is not then subjected to further curation. The score for this variant resulted in a classification of benign for this disease.

Breakthrough Genomics
Classification: Benign. Review status: criteria provided, single submitter. Criteria: ACMG Guidelines, 2015. Collection method: not provided. Allele origin: germline. Inheritance: Autosomal recessive inheritance. Affected: yes.